The following is an entry in ClinVar:

ClinVar aggregate classification (germline): Uncertain significance (1 of 4 stars; one submission).

Submission:

Labcorp Genetics (formerly Invitae), Labcorp
Classification: Uncertain significance. Last evaluated: 2024-08-07. Review status: criteria provided, single submitter. Criteria: Invitae Variant Classification Sherloc (09022015). Collection method: clinical testing. Allele origin: germline.
Comment: This sequence change replaces glutamic acid, which is acidic and polar, with glycine, which is neutral and non-polar, at codon 388 of the NCSTN protein (p.Glu388Gly). This variant is not present in population databases (gnomAD no frequency). This variant has not been reported in the literature in individuals affected with NCSTN-related conditions. ClinVar contains an entry for this variant (Variation ID: 1517961). Advanced modeling of protein sequence and biophysical properties (such as structural, functional, and spatial information, amino acid conservation, physicochemical variation, residue mobility, and thermodynamic stability) performed at Invitae indicates that this missense variant is not expected to disrupt NCSTN protein function with a negative predictive value of 80%. In summary, the available evidence is currently insufficient to determine the role of this variant in disease. Therefore, it has been classified as a Variant of Uncertain Significance.

NM_015331.3(NCSTN):c.1163A>G (p.Glu388Gly)

Gene: NCSTN (nicastrin; plus strand). Cytogenetic location: 1q23.2.
Variant type: single nucleotide variant.
Coding change: c.1163A>G on transcript NM_015331.3 (MANE Select); coding-DNA position 1163, A replaced by G.
Protein change: p.Glu388Gly; replaces glutamic acid 388 with glycine.
Molecular consequence: missense variant.
Genome position (GRCh38, 1-based): chr1:160,353,221, A>G. VCF-style: chr1-160353221-A-G. GRCh37 (hg19) VCF-style: chr1-160323011-A-G.
Other names: c.1103A>G, p.Glu368Gly (NM_001290184.2); c.749A>G, p.Glu250Gly (NM_001290186.2); c.1163A>G, p.Glu388Gly (NM_001349729.2); short protein forms E388G, E368G, E250G.
Identifiers: ClinVar variation 1517961 (VCV001517961.6), dbSNP rs2101905016, ClinGen allele CA343281227.